The following is an entry in ClinVar:

NM_172351.3(CD46):c.976A>G (p.Ser326Gly)

Gene: CD46 (CD46 molecule; plus strand). Cytogenetic location: 1q32.2.
Variant type: single nucleotide variant.
Coding change: c.976A>G on transcript NM_172351.3 (MANE Select); coding-DNA position 976, A replaced by G.
Protein change: p.Ser326Gly; replaces serine 326 with glycine.
Molecular consequence: missense variant.
Genome position (GRCh38, 1-based): chr1:207,783,324, A>G. VCF-style: chr1-207783324-A-G. GRCh37 (hg19) VCF-style: chr1-207956669-A-G.
Other names: c.1021A>G, p.Ser341Gly (NM_002389.4, NM_172359.3); c.976A>G, p.Ser326Gly (NM_153826.4, NM_172358.3); c.931A>G, p.Ser311Gly (NM_172350.3, NM_172352.3, NM_172353.3); c.934A>G, p.Ser312Gly (NM_172355.3, NM_172356.3); c.889A>G, p.Ser297Gly (NM_172357.3, NM_172361.3); short protein forms S297G, S312G, S311G, S326G, S341G.
Identifiers: ClinVar variation 1509149 (VCV001509149.8), dbSNP rs139762250, ClinGen allele CA1371848.

ClinVar aggregate classification (germline): Uncertain significance (1 of 4 stars; one submission).

Allele frequency attached by ClinVar (database versions not stated): gnomAD 0.00005; ESP Exome Variant Server 0.00015; gnomAD exomes below 0.00001 and 0.00002; ExAC 0.00003; TOPMed 0.00003.
gnomAD v4.1: 14 of 1,542,902 alleles (0.00091%); highest among the groups gnomAD compares: African/African-American, 0.014%; no homozygotes.

Submission:

Labcorp Genetics (formerly Invitae), Labcorp
Classification: Uncertain significance. Last evaluated: 2025-10-14. Review status: criteria provided, single submitter. Criteria: Invitae Variant Classification Sherloc (09022015). Collection method: clinical testing. Allele origin: germline.
Comment: This sequence change replaces serine, which is neutral and polar, with glycine, which is neutral and non-polar, at codon 341 of the CD46 protein (p.Ser341Gly). This variant is present in population databases (rs139762250, gnomAD 0.02%). This variant has not been reported in the literature in individuals affected with CD46-related conditions. ClinVar contains an entry for this variant (Variation ID: 1509149). Invitae Evidence Modeling of protein sequence and biophysical properties (such as structural, functional, and spatial information, amino acid conservation, physicochemical variation, residue mobility, and thermodynamic stability) indicates that this missense variant is not expected to disrupt CD46 protein function with a negative predictive value of 80%. In summary, the available evidence is currently insufficient to determine the role of this variant in disease. Therefore, it has been classified as a Variant of Uncertain Significance.